The following is an entry in ClinVar:

ClinVar aggregate classification (germline): Uncertain significance. Review status: criteria provided, multiple submitters, no conflicts (2 of 4 stars). 3 submissions from 3 submitters: Uncertain significance (2). 1 of the submissions does not count toward it. Last evaluated 2022-06-11.

Conditions:
Nemaline myopathy 2 (NEM2). Also called: Nemaline myopathy 2, autosomal recessive. Identifiers: MedGen C1850569, MONDO:0009725, OMIM 256030.

Allele frequency attached by ClinVar (database versions not stated): gnomAD 0.00001; gnomAD exomes 0.00001 and 0.00002; ExAC 0.00002; TOPMed 0.00002; ESP Exome Variant Server 0.00008.
gnomAD v4.1: 15 of 1,613,860 alleles (0.00093%); highest among the groups gnomAD compares: Admixed American, 0.0033%; no homozygotes.

Submissions (3):

Labcorp Genetics (formerly Invitae), Labcorp
Classification: Uncertain significance for Nemaline myopathy 2. Last evaluated: 2022-06-11. Review status: criteria provided, single submitter. Criteria: Invitae Variant Classification Sherloc (09022015). Collection method: clinical testing. Allele origin: germline.
Comment: This sequence change replaces arginine, which is basic and polar, with histidine, which is basic and polar, at codon 3559 of the NEB protein (p.Arg3559His). This variant is present in population databases (rs376558062, gnomAD 0.006%). This variant has not been reported in the literature in individuals affected with NEB-related conditions. ClinVar contains an entry for this variant (Variation ID: 643990). Algorithms developed to predict the effect of missense changes on protein structure and function are either unavailable or do not agree on the potential impact of this missense change (SIFT: "Deleterious"; PolyPhen-2: "Not Available"; Align-GVGD: "Class C0"). In summary, the available evidence is currently insufficient to determine the role of this variant in disease. Therefore, it has been classified as a Variant of Uncertain Significance.

GeneDx
Classification: Uncertain significance. Last evaluated: 2020-03-04. Review status: criteria provided, single submitter. Criteria: GeneDx Variant Classification Process June 2021. Collection method: clinical testing. Allele origin: germline. Affected: yes.
Comment: Has not been previously published as pathogenic or benign to our knowledge; In silico analysis, which includes protein predictors and evolutionary conservation, supports that this variant does not alter protein structure/function; Not observed at a significant frequency in large population cohorts (Lek et al., 2016)

Natera, Inc.
Classification: Uncertain significance for Nemaline myopathy type 2. Last evaluated: 2020-10-28. Review status: no assertion criteria provided. Collection method: clinical testing. Allele origin: germline. Not counted in ClinVar's aggregate classification.

NM_001164508.2(NEB):c.10676G>A (p.Arg3559His)

Gene: NEB (nebulin; minus strand). Cytogenetic location: 2q23.3.
Variant type: single nucleotide variant.
Coding change: c.10676G>A on transcript NM_001164508.2 (MANE Select); coding-DNA position 10676, G replaced by A.
Protein change: p.Arg3559His; replaces arginine 3559 with histidine.
Molecular consequence: missense variant.
Genome position (GRCh38, 1-based): chr2:151,619,647, C>T on the plus strand (G>A on the coding strand, the complement: NEB is on the minus strand). VCF-style: chr2-151619647-C-T. GRCh37 (hg19) VCF-style: chr2-152476161-C-T.
Other names: c.10676G>A, p.Arg3559His (NM_001164507.2, NM_001271208.2); c.9947G>A, p.Arg3316His (NM_004543.5); short protein forms R3316H, R3559H.
Identifiers: ClinVar variation 643990 (VCV000643990.8), dbSNP rs376558062, ClinGen allele CA1908967.